The following is an entry in ClinVar:

NM_001286577.2(C2CD3):c.7027C>T (p.Arg2343Trp)

Gene: C2CD3 (C2 domain containing 3 centriole elongation regulator; minus strand). Cytogenetic location: 11q13.4.
Variant type: single nucleotide variant.
Coding change: c.7027C>T on transcript NM_001286577.2 (MANE Select); coding-DNA position 7027, C replaced by T.
Protein change: p.Arg2343Trp; replaces arginine 2343 with tryptophan.
Molecular consequence: missense variant.
Genome position (GRCh38, 1-based): chr11:74,013,420, G>A on the plus strand (C>T on the coding strand, the complement: C2CD3 is on the minus strand). VCF-style: chr11-74013420-G-A. GRCh37 (hg19) VCF-style: chr11-73724465-G-A.
Other names: short protein forms R2343W.
Identifiers: ClinVar variation 2901729 (VCV002901729.4), dbSNP rs768619008, ClinGen allele CA6181682.
Genomic context (GRCh38, chr11:74,013,420, plus strand): 5'-CTTCCCCCCAGCCCCTCAGGCTGCGTCAGTCTTTCTGGGAGTACTGAGAAGAAAATATCC[G>A]TGCAATCCTGAGAGTTTCTTCCTCAGGCAGGTTGAGGGGGAGCGAGTTAGGTCTGGGGCG-3'
Protein context (NP_001273506.1, residues 2333-2353): LPEEETLRIA[Arg2343Trp]IFSSQYSQKD

ClinVar aggregate classification (germline): Conflicting classifications of pathogenicity. Review status: criteria provided, conflicting classifications (1 of 4 stars). 2 submissions from 2 submitters: Uncertain significance (1); Likely benign (1). Last evaluated 2023-11-24.

Conditions:
Orofaciodigital syndrome type 14. Also called: Orofaciodigital syndrome xiv. Identifiers: Orphanet 434179, MedGen C4706604, MONDO:0014413, OMIM 615948.

Allele frequency attached by ClinVar (database versions not stated): gnomAD 0.00003; TOPMed 0.00004; ExAC 0.00127.
gnomAD v4.1: 88 of 1,326,972 alleles (0.0066%); highest among the groups gnomAD compares: South Asian, 0.084%; 1 homozygote.

Submissions (2):

Labcorp Genetics (formerly Invitae), Labcorp
Classification: Likely benign. Last evaluated: 2023-11-24. Review status: criteria provided, single submitter. Criteria: Invitae Variant Classification Sherloc (09022015). Collection method: clinical testing. Allele origin: germline.

Neuberg Centre For Genomic Medicine, NCGM
Classification: Uncertain significance for Orofaciodigital syndrome type 14. Review status: criteria provided, single submitter. Criteria: ACMG Guidelines, 2015. Collection method: clinical testing. Allele origin: germline. Inheritance: Autosomal recessive inheritance. Affected: yes.
Comment: The observed missense c.7027C>T(p.Arg2343Trp) variant in C2CD3 gene has not been reported previously as a pathogenic variant nor as a benign variant, to our knowledge. This variant is reported with the allele frequency of 0.009% in the gnomAD Exomes. The amino acid Arg at position 2343 is changed to a Trp changing protein sequence and it might alter its composition and physico-chemical properties. The amino acid change p.Arg2343Trp in C2CD3 is predicted as conserved by GERP++ and PhyloP across 100 vertebrates. The variant is predicted as damaging by SIFT. For these reasons, this variant has been classified as Uncertain Significance.